The following is an entry in ClinVar:

ClinVar aggregate classification (germline): Uncertain significance. Review status: criteria provided, multiple submitters, no conflicts (2 of 4 stars). 3 submissions from 3 submitters: Uncertain significance (3). Last evaluated 2022-02-10.

Conditions:
Connective tissue disorder. Also called: Connective tissue disease. Identifiers: MedGen C0009782, MONDO:0003900.

Allele frequency attached by ClinVar (database versions not stated): gnomAD exomes below 0.00001.
gnomAD v4.1: 1 of 1,614,028 alleles (0.000062%); highest among the groups gnomAD compares: Non-Finnish European, 0.000085%; no homozygotes.

Submissions (3):

Revvity Omics, Revvity
Classification: Uncertain significance. Last evaluated: 2022-02-10. Review status: criteria provided, single submitter. Criteria: ACMG Guidelines, 2015. Collection method: clinical testing. Allele origin: germline.

GeneDx
Classification: Uncertain significance. Last evaluated: 2021-08-05. Review status: criteria provided, single submitter. Criteria: GeneDx Variant Classification Process June 2021. Collection method: clinical testing. Allele origin: germline. Affected: yes.
Comment: Not observed at significant frequency in large population cohorts (Lek et al., 2016); In silico analysis, which includes protein predictors and evolutionary conservation, supports a deleterious effect; Has not been previously published as pathogenic or benign to our knowledge; This variant is associated with the following publications: (PMID: 27535533)

Center for Human Genetics, Inc
Classification: Uncertain significance for Connective tissue disorder. Last evaluated: 2016-11-01. Review status: criteria provided, single submitter. Criteria: ACMG Guidelines, 2015. Collection method: clinical testing. Allele origin: germline. Affected: yes.

NM_000089.4(COL1A2):c.3181C>A (p.Pro1061Thr)

Gene: COL1A2 (collagen type I alpha 2 chain; plus strand). Cytogenetic location: 7q21.3.
Variant type: single nucleotide variant.
Coding change: c.3181C>A on transcript NM_000089.4 (MANE Select); coding-DNA position 3181, C replaced by A.
Protein change: p.Pro1061Thr; replaces proline 1061 with threonine.
Molecular consequence: missense variant.
Genome position (GRCh38, 1-based): chr7:94,427,209, C>A. VCF-style: chr7-94427209-C-A. GRCh37 (hg19) VCF-style: chr7-94056521-C-A.
Other names: short protein forms P1061T.
Identifiers: ClinVar variation 547243 (VCV000547243.5), dbSNP rs1554398544, ClinGen allele CA368225444.
Genomic context (GRCh38, chr7:94,427,209, plus strand): 5'-TTCACCAGCTCACATGTACCTGGTGTCTGTCTTCCTTAGGGCCCTGCTGGTCCTTCTGGC[C>A]CTGCTGGAAAAGATGGTCGCACTGGACATCCTGGTACAGTTGGACCTGCTGGCATTCGAG-3'
Protein context (NP_000080.2, residues 1051-1071): GPRGPAGPSG[Pro1061Thr]AGKDGRTGHP